The following is an entry in ClinVar:

NM_000218.3(KCNQ1):c.566G>C (p.Gly189Ala)

Gene: KCNQ1 (potassium voltage-gated channel subfamily Q member 1; plus strand). Cytogenetic location: 11p15.5.
Variant type: single nucleotide variant.
Coding change: c.566G>C on transcript NM_000218.3 (MANE Select); coding-DNA position 566, G replaced by C.
Protein change: p.Gly189Ala; replaces glycine 189 with alanine.
Molecular consequence: missense variant.
Genome position (GRCh38, 1-based): chr11:2,570,716, G>C. VCF-style: chr11-2570716-G-C. GRCh37 (hg19) VCF-style: chr11-2591946-G-C.
Other names: c.566G>C, p.Gly189Ala (NM_001406836.1); c.296G>C, p.Gly99Ala (NM_001406837.1); c.185G>C, p.Gly62Ala (NM_181798.2); short protein forms G62A, G99A, G189A.
Identifiers: ClinVar variation 1748958 (VCV001748958.2), dbSNP rs199473400, ClinGen allele CA379129954.
Genomic context (GRCh38, chr11:2,570,716, plus strand): 5'-CGGAGTACGTGGTCCGCCTCTGGTCCGCCGGCTGCCGCAGCAAGTACGTGGGCCTCTGGG[G>C]GCGGCTGCGCTTTGCCCGGAAGCCCATTTCCATCATCGGTGAGTCATGCCTGCCCTGTGG-3'
Protein context (NP_000209.2, residues 179-199): GCRSKYVGLW[Gly189Ala]RLRFARKPIS

ClinVar aggregate classification (germline): Uncertain significance (1 of 4 stars; one submission).

Conditions:
Cardiovascular phenotype. Identifiers: MedGen CN230736.

Submission:

Ambry Genetics
Classification: Uncertain significance for Cardiovascular phenotype. Last evaluated: 2018-02-12. Review status: criteria provided, single submitter. Criteria: Ambry Variant Classification Scheme 2023. Collection method: clinical testing. Allele origin: germline.
Comment: The p.G189A variant (also known as c.566G>C), located in coding exon 3 of the KCNQ1 gene, results from a G to C substitution at nucleotide position 566. The glycine at codon 189 is replaced by alanine, an amino acid with similar properties. This amino acid position is highly conserved in available vertebrate species. In addition, this alteration is predicted to be deleterious by in silico analysis. Since supporting evidence is limited at this time, the clinical significance of this alteration remains unclear.